The following is an entry in ClinVar:

ClinVar aggregate classification (germline): Pathogenic. Review status: reviewed by expert panel (3 of 4 stars). 6 submissions from 6 submitters: Pathogenic (1). 5 of the submissions do not count toward it. Last evaluated 2024-07-29.

Conditions:
T-cell lymphopenia, infantile, with or without nail dystrophy, autosomal dominant. Identifiers: Orphanet 676039, MedGen C5394133, MONDO:0032928, OMIM 618806.
FOXN1-related disorders.
T-cell immunodeficiency, congenital alopecia, and nail dystrophy. Also called: Congenital alopecia and nail dystrophy associated with severe functional T-cell immunodeficiency; Pignata Guarino syndrome. Identifiers: Orphanet 169095, MedGen C1866426, MONDO:0011132, OMIM 601705.

Submissions (6):

ClinGen Severe Combined Immunodeficiency Variant Curation Expert Panel, ClinGen
Classification: Pathogenic for T-cell immunodeficiency, congenital alopecia, and nail dystrophy. Last evaluated: 2024-07-29. Review status: reviewed by expert panel. Criteria: ClinGen SCID ACMG Specifications FOXN1 V1.0.0. Collection method: curation. Allele origin: germline. Inheritance: Semidominant inheritance.
Comment: The NM_001369369.1(FOXN1):c.1465del (p.Gln489ArgfsTer?) frameshift variant in exon 8 results in a premature stop codon in the final exon (exon 9) at codon 549. It is not predicted to cause NMD but would truncate 15% of the protein, including most of the transactivation domain which is critical to protein function (PVS1_Strong). They had undetectable TRECs (0.25pt), CD3 122 cells/uL (0.25pt), CD8 17 cells/uL, CD4CD45RA 2 cells/uL, NK 505 cells/uL, and CD19+ 1079 cells/uL (PMID: 31566583; PP4). This was a de novo occurrence of the variant in Pt 2 (PM6_supporting). Two additional patients (Pt 3 and Pt 4) were also detected with this variant by exome sequencing. They each had low CD3 and CD8 cell counts for their age (PMID: 31566583; PS4_moderate). This variant is absent from gnomADv2.1.1 (PM2_supporting). CRISPR/Cas9 generated Foxn1 Q489Rfs/Q489Rfs mice have a nude/SCID phenotype, evident 4 to 5 days postnatally and had significantly reduced numbers and percentages of thymocyte subsets at the adult stages (PMID: 27618451; PS3). In summary this variant meets criteria to be classified as pathogenic for semidominant T-cell immunodeficiency, congenital alopecia, and nail dystrophy due to FOXN1 deficiency based on the ACMG/AMP criteria applied: PVS1_strong, PM2_supporting, PP4, PM6_supporting, PS4_moderate, and PS3 as specified by the ClinGen SCID VCEP FOXN1 subgroup.

Genomic Medicine Center of Excellence, King Faisal Specialist Hospital and Research Centre
Classification: Pathogenic for T-cell immunodeficiency, congenital alopecia, and nail dystrophy. Last evaluated: 2024-12-19. Review status: criteria provided, single submitter. Criteria: ACMG Guidelines, 2015. Collection method: clinical testing. Allele origin: germline. Not counted in ClinVar's aggregate classification.

Labcorp Genetics (formerly Invitae), Labcorp
Classification: Likely pathogenic for T-cell immunodeficiency, congenital alopecia, and nail dystrophy. Last evaluated: 2022-09-17. Review status: criteria provided, single submitter. Criteria: Invitae Variant Classification Sherloc (09022015). Collection method: clinical testing. Allele origin: germline. Not counted in ClinVar's aggregate classification.
Comment: In summary, the currently available evidence indicates that the variant is pathogenic, but additional data are needed to prove that conclusively. Therefore, this variant has been classified as Likely Pathogenic. Experimental studies have shown that this premature translational stop signal affects FOXN1 function (PMID: 31566583). Algorithms developed to predict the effect of variants on protein structure and function are not available or were not evaluated for this variant. ClinVar contains an entry for this variant (Variation ID: 869415). This premature translational stop signal has been observed in individual(s) with FOXN1-related conditions and/or severe combined immunodeficiency (SCID) (PMID: 31566583; Invitae). This variant is not present in population databases (gnomAD no frequency). This sequence change creates a premature translational stop signal (p.Gln489Argfs*61) in the FOXN1 gene. While this is not anticipated to result in nonsense mediated decay, it is expected to disrupt the last 160 amino acid(s) of the FOXN1 protein.

Baylor Genetics
Classification: Pathogenic for T-cell lymphopenia, infantile, with or without nail dystrophy, autosomal dominant. Last evaluated: 2021-09-22. Review status: criteria provided, single submitter. Criteria: ACMG Guidelines, 2015. Collection method: clinical testing. Allele origin: unknown. Not counted in ClinVar's aggregate classification.

Blueprint Genetics
Classification: Pathogenic for FOXN1-related disorders. Last evaluated: 2020-11-25. Review status: criteria provided, single submitter. Criteria: ACMG Guidelines, 2015. Collection method: clinical testing. Allele origin: germline. Affected: yes. Observed: 1 variant allele. Not counted in ClinVar's aggregate classification.

van Oers lab, UT Southwestern Medical Center
Classification: Likely pathogenic for T-cell immunodeficiency, congenital alopecia, and nail dystrophy. Review status: no assertion criteria provided. Collection method: clinical testing, in vitro. Allele origin: de novo. Affected: yes. Not counted in ClinVar's aggregate classification.
Comment: Pt. TloB+NK+ with normal hair and nails, received a bone marrow transplant

Literature cited by the submitters: PubMed 31566583 (cited by ClinGen Severe Combined Immunodeficiency Variant Curation Expert Panel, ClinGen and Labcorp Genetics (formerly Invitae), Labcorp); PubMed 37419334 (cited by ClinGen Severe Combined Immunodeficiency Variant Curation Expert Panel, ClinGen); PMC 6819092 (cited by van Oers lab, UT Southwestern Medical Center).

NM_001369369.1(FOXN1):c.1465del (p.Gln489fs)

Gene: FOXN1 (forkhead box N1; plus strand). Cytogenetic location: 17q11.2.
Variant type: Deletion.
Coding change: c.1465del on transcript NM_001369369.1 (MANE Select); coding-DNA position 1465, one base deleted (C; older notation c.1465delC).
Protein change: p.Gln489fs; shifts the reading frame from glutamine 489.
Molecular consequence: frameshift variant.
Genome position (GRCh38, 1-based): chr17:28,535,036, C deleted; the last of 6 consecutive C bases (chr17:28,535,031-28,535,036); deleting any one gives the same sequence. VCF-style (leftmost placement, unchanged base first): chr17-28535030-AC-A. GRCh37 (hg19) VCF-style: chr17-26862048-AC-A.
Other names: p.489fsX61; NM_001369369.1(FOXN1):c.1465del; p.Gln489fs; c.1465del, p.Gln489fs (NM_003593.3); c.1465del (NM_003593.2); c.1465delC (NM_003593.2); short protein forms Q489fs.
Identifiers: ClinVar variation 869415 (VCV000869415.9), dbSNP rs1169577591, ClinGen allele CA645592050.